The following is an entry in ClinVar:

NM_004415.4(DSP):c.4748C>G (p.Thr1583Ser)

Gene: DSP (desmoplakin; plus strand). Cytogenetic location: 6p24.3.
Variant type: single nucleotide variant.
Coding change: c.4748C>G on transcript NM_004415.4 (MANE Select); coding-DNA position 4748, C replaced by G.
Protein change: p.Thr1583Ser; replaces threonine 1583 with serine.
Molecular consequence: missense variant. On other transcripts: intron variant (2).
Genome position (GRCh38, 1-based): chr6:7,580,938, C>G. VCF-style: chr6-7580938-C-G. GRCh37 (hg19) VCF-style: chr6-7581171-C-G.
Other names: c.4050+698C>G (NM_001319034.2); c.3582+1166C>G (NM_001008844.3); short protein forms T1583S.
Identifiers: ClinVar variation 925606 (VCV000925606.18), dbSNP rs778603023, ClinGen allele CA042674.

ClinVar aggregate classification (germline): Conflicting classifications of pathogenicity. Review status: criteria provided, conflicting classifications (1 of 4 stars). 4 submissions from 4 submitters: Uncertain significance (3); Likely benign (1). Last evaluated 2024-09-14.

Conditions:
Cardiovascular phenotype. Identifiers: MedGen CN230736.
Cardiomyopathy (CMYO). Also called: Cardiomyopathies. Identifiers: Orphanet 167848, MedGen C0878544, MONDO:0004994, HP:0001638. Inheritance: Various modes of inheritance.
Arrhythmogenic right ventricular dysplasia 8 (ARVD8). Also called: Arrhythmogenic Right Ventricular Dysplasia/Cardiomyopathy 8; ARRHYTHMOGENIC RIGHT VENTRICULAR DYSPLASIA, FAMILIAL, 8; ARRHYTHMOGENIC RIGHT VENTRICULAR CARDIOMYOPATHY 8. Identifiers: MedGen C1843896, MONDO:0011831, OMIM 607450.
Arrhythmogenic cardiomyopathy with wooly hair and keratoderma. Also called: PALMOPLANTAR KERATODERMA WITH LEFT VENTRICULAR CARDIOMYOPATHY AND WOOLLY HAIR; Carvajal syndrome; Dilated cardiomyopathy with woolly hair and keratoderma; Arrhythmogenic cardiomyopathy with woolly hair and keratoderma. Identifiers: Orphanet 65282, MedGen C1854063, MONDO:0011581, OMIM 605676.

Allele frequency attached by ClinVar (database versions not stated): ExAC 0.00001; gnomAD 0.00001; gnomAD exomes 0.00001; TOPMed 0.00001.
gnomAD v4.1: 23 of 1,613,980 alleles (0.0014%); highest among the groups gnomAD compares: South Asian, 0.0099%; no homozygotes.

Submissions (4):

Labcorp Genetics (formerly Invitae), Labcorp
Classification: Likely benign for Arrhythmogenic cardiomyopathy with wooly hair and keratoderma; Arrhythmogenic right ventricular dysplasia 8. Last evaluated: 2024-09-14. Review status: criteria provided, single submitter. Criteria: Invitae Variant Classification Sherloc (09022015). Collection method: clinical testing. Allele origin: germline.

All of Us Research Program, National Institutes of Health
Classification: Uncertain significance for Arrhythmogenic cardiomyopathy with wooly hair and keratoderma. Last evaluated: 2024-05-14. Review status: criteria provided, single submitter. Criteria: ACMG Guidelines, 2015. Collection method: clinical testing. Allele origin: germline. Inheritance: Autosomal dominant inheritance. Observed: 2 variant alleles, 2 heterozygotes.
Comment: Variant of Uncertain Significance due to insufficient evidence: This missense variant is located in the central rod domain of the DSP protein that is thought to form a dimeric coiled coil. Computational prediction tools and conservation analyses are inconclusive regarding the impact of this variant on the protein function. Computational splicing tools suggest that this variant may not impact RNA splicing. To our knowledge, functional assays have not been performed for this variant nor has this variant been reported in individuals affected with cardiovascular disorders in the literature. This variant has been identified in 2/245268 chromosomes in the general population by the Genome Aggregation Database (gnomAD). Available evidence is insufficient to determine the pathogenicity of this variant conclusively.

This study involves interpretation of variants in research participants for the purpose of population health screening. Participant phenotype was not available at the time of variant classification. Additional details can be found in publication PMID: 35346344, PMCID: PMC8962531

Color Diagnostics, LLC DBA Color Health
Classification: Uncertain significance for Cardiomyopathy. Last evaluated: 2023-12-04. Review status: criteria provided, single submitter. Criteria: ACMG Guidelines, 2015. Collection method: clinical testing. Allele origin: germline.
Comment: Variant of Uncertain Significance due to insufficient evidence: This missense variant is located in the central rod domain of the DSP protein that is thought to form a dimeric coiled coil. Computational prediction tools and conservation analyses are inconclusive regarding the impact of this variant on the protein function. Computational splicing tools suggest that this variant may not impact RNA splicing. To our knowledge, functional assays have not been performed for this variant nor has this variant been reported in individuals affected with cardiovascular disorders in the literature. This variant has been identified in 2/245268 chromosomes in the general population by the Genome Aggregation Database (gnomAD). Available evidence is insufficient to determine the pathogenicity of this variant conclusively.

Ambry Genetics
Classification: Uncertain significance for Cardiovascular phenotype. Last evaluated: 2020-06-04. Review status: criteria provided, single submitter. Criteria: Ambry Variant Classification Scheme 2023. Collection method: clinical testing. Allele origin: germline.
Comment: The p.T1583S variant (also known as c.4748C>G), located in coding exon 23 of the DSP gene, results from a C to G substitution at nucleotide position 4748. The threonine at codon 1583 is replaced by serine, an amino acid with similar properties. This amino acid position is poorly conserved in available vertebrate species. In addition, this alteration is predicted to be tolerated by in silico analysis. Since supporting evidence is limited at this time, the clinical significance of this alteration remains unclear.